The following is an entry in ClinVar:

NM_005559.4(LAMA1):c.2557G>A (p.Gly853Ser)

Gene: LAMA1 (laminin subunit alpha 1; minus strand). Cytogenetic location: 18p11.31.
Variant type: single nucleotide variant.
Coding change: c.2557G>A on transcript NM_005559.4 (MANE Select); coding-DNA position 2557, G replaced by A.
Protein change: p.Gly853Ser; replaces glycine 853 with serine.
Molecular consequence: missense variant.
Genome position (GRCh38, 1-based): chr18:7,023,308, C>T on the plus strand (G>A on the coding strand, the complement: LAMA1 is on the minus strand). VCF-style: chr18-7023308-C-T. GRCh37 (hg19) VCF-style: chr18-7023307-C-T.
Other names: short protein forms G853S.
Identifiers: ClinVar variation 3368302 (VCV003368302.1).

ClinVar aggregate classification (germline): Uncertain significance (1 of 4 stars; one submission).

gnomAD v4.1: 11 of 1,614,026 alleles (0.00068%); highest among the groups gnomAD compares: East Asian, 0.0022%; no homozygotes.

Submission:

GeneDx
Classification: Uncertain significance. Last evaluated: 2024-01-29. Review status: criteria provided, single submitter. Criteria: GeneDx Variant Classification Process June 2021. Collection method: clinical testing. Allele origin: germline. Affected: yes.
Comment: Not observed at significant frequency in large population cohorts (gnomAD); In silico analysis supports that this missense variant has a deleterious effect on protein structure/function; Has not been previously published as pathogenic or benign to our knowledge